The following is an entry in ClinVar:

NM_015102.5(NPHP4):c.2030C>T (p.Pro677Leu)

Gene: NPHP4 (nephrocystin 4; minus strand). Cytogenetic location: 1p36.31.
Variant type: single nucleotide variant.
Coding change: c.2030C>T on transcript NM_015102.5 (MANE Select); coding-DNA position 2030, C replaced by T.
Protein change: p.Pro677Leu; replaces proline 677 with leucine.
Molecular consequence: missense variant. On other transcripts: non-coding transcript variant (1).
Genome position (GRCh38, 1-based): chr1:5,904,730, G>A on the plus strand (C>T on the coding strand, the complement: NPHP4 is on the minus strand). VCF-style: chr1-5904730-G-A. GRCh37 (hg19) VCF-style: chr1-5964790-G-A.
Other names: c.491C>T, p.Pro164Leu (NM_001291593.2); c.494C>T, p.Pro165Leu (NM_001291594.2); short protein forms P164L, P165L, P677L.
Identifiers: ClinVar variation 1016876 (VCV001016876.8), dbSNP rs1205793319, ClinGen allele CA338053615.
Genomic context (GRCh38, chr1:5,904,730, plus strand): 5'-CCAGAGCTGGGCTGGCCGGCCTCATCCAGCTGGACCAGCTGCAGTCGTGGCGTCGTTGCG[G>A]GTGGGAAGCGGTAGAACTGGAAGGTGAAATACACAGTCTTTGGCCATGATGTTCCTCGGC-3'
Protein context (NP_055917.1, residues 667-687): YFTFQFYRFP[Pro677Leu]ATTPRLQLVQ

ClinVar aggregate classification (germline): Uncertain significance (1 of 4 stars; one submission).

Conditions:
Nephronophthisis. Also called: Juvenile Nephronophthisis. Identifiers: Orphanet 655, MedGen C0687120, MONDO:0019005, HP:0000090.

Allele frequency attached by ClinVar (database versions not stated): gnomAD exomes below 0.00001; TOPMed below 0.00001; gnomAD 0.00001.
gnomAD v4.1: 2 of 1,613,926 alleles (0.00012%); highest among the groups gnomAD compares: Non-Finnish European, 0.000085%; no homozygotes.

Submission:

Labcorp Genetics (formerly Invitae), Labcorp
Classification: Uncertain significance for Nephronophthisis. Last evaluated: 2022-11-01. Review status: criteria provided, single submitter. Criteria: Invitae Variant Classification Sherloc (09022015). Collection method: clinical testing. Allele origin: germline.
Comment: Advanced modeling of protein sequence and biophysical properties (such as structural, functional, and spatial information, amino acid conservation, physicochemical variation, residue mobility, and thermodynamic stability) performed at Invitae indicates that this missense variant is expected to disrupt NPHP4 protein function. ClinVar contains an entry for this variant (Variation ID: 1016876). This variant has not been reported in the literature in individuals affected with NPHP4-related conditions. This variant is not present in population databases (gnomAD no frequency). This sequence change replaces proline, which is neutral and non-polar, with leucine, which is neutral and non-polar, at codon 677 of the NPHP4 protein (p.Pro677Leu). In summary, the available evidence is currently insufficient to determine the role of this variant in disease. Therefore, it has been classified as a Variant of Uncertain Significance.